The following is an entry in ClinVar:

ClinVar aggregate classification (germline): Uncertain significance (1 of 4 stars; one submission).

Conditions:
Cardiovascular phenotype. Identifiers: MedGen CN230736.

gnomAD v4.1: 5 of 1,614,012 alleles (0.00031%); highest among the groups gnomAD compares: Admixed American, 0.0083%; no homozygotes.

Submission:

Ambry Genetics
Classification: Uncertain significance for Cardiovascular phenotype. Last evaluated: 2023-01-19. Review status: criteria provided, single submitter. Criteria: Ambry Variant Classification Scheme 2023. Collection method: clinical testing. Allele origin: germline.
Comment: The p.V3600I variant (also known as c.10798G>A), located in coding exon 26 of the APOB gene, results from a G to A substitution at nucleotide position 10798. The valine at codon 3600 is replaced by isoleucine, an amino acid with highly similar properties. This amino acid position is conserved. In addition, this alteration is predicted to be tolerated by in silico analysis. Since supporting evidence is limited at this time, the clinical significance of this alteration remains unclear.

NM_000384.3(APOB):c.10798G>A (p.Val3600Ile)

Gene: APOB (apolipoprotein B; minus strand). Cytogenetic location: 2p24.1.
Variant type: single nucleotide variant.
Coding change: c.10798G>A on transcript NM_000384.3 (MANE Select); coding-DNA position 10798, G replaced by A.
Protein change: p.Val3600Ile; replaces valine 3600 with isoleucine.
Molecular consequence: missense variant.
Genome position (GRCh38, 1-based): chr2:21,006,070, C>T on the plus strand (G>A on the coding strand, the complement: APOB is on the minus strand). VCF-style: chr2-21006070-C-T. GRCh37 (hg19) VCF-style: chr2-21228942-C-T.
Other names: short protein forms V3600I.
Identifiers: ClinVar variation 2446980 (VCV002446980.2), dbSNP rs766749418, ClinGen allele CA345984959.